The following is an entry in ClinVar:

ClinVar aggregate classification (germline): Uncertain significance. Review status: criteria provided, multiple submitters, no conflicts (2 of 4 stars). 3 submissions from 3 submitters: Uncertain significance (2). 1 of the submissions does not count toward it. Last evaluated 2022-02-18.

Conditions:
CEP290-related disorder. Also called: CEP290-related disorders; CEP290-related condition. Identifiers: MedGen CN239314.
Nephronophthisis. Also called: Juvenile Nephronophthisis. Identifiers: Orphanet 655, MedGen C0687120, MONDO:0019005, HP:0000090.
Joubert syndrome. Also called: JOUBERT-BOLTSHAUSER SYNDROME; Familial aplasia of the vermis. Identifiers: Orphanet 475, MedGen C5979921, MONDO:0018772.
Meckel-Gruber syndrome. Also called: DYSENCEPHALIA SPLANCHNOCYSTICA; GRUBER SYNDROME; Dysencephalia splachnocystica. Identifiers: Orphanet 564, MedGen C0265215, MONDO:0018921.

Allele frequency attached by ClinVar (database versions not stated): gnomAD exomes 0.00002; TOPMed 0.00002; ExAC 0.00003; gnomAD 0.00003.
gnomAD v4.1: 30 of 1,610,520 alleles (0.0019%); highest among the groups gnomAD compares: South Asian, 0.014%; no homozygotes.

Submissions (3):

Labcorp Genetics (formerly Invitae), Labcorp
Classification: Uncertain significance for Joubert syndrome; Meckel-Gruber syndrome; Nephronophthisis. Last evaluated: 2022-02-18. Review status: criteria provided, single submitter. Criteria: Invitae Variant Classification Sherloc (09022015). Collection method: clinical testing. Allele origin: germline.
Comment: This sequence change replaces arginine, which is basic and polar, with tryptophan, which is neutral and slightly polar, at codon 2224 of the CEP290 protein (p.Arg2224Trp). This variant is present in population databases (rs771123241, gnomAD 0.02%). This variant has not been reported in the literature in individuals affected with CEP290-related conditions. Algorithms developed to predict the effect of missense changes on protein structure and function are either unavailable or do not agree on the potential impact of this missense change (SIFT: "Deleterious"; PolyPhen-2: "Probably Damaging"; Align-GVGD: "Class C0"). In summary, the available evidence is currently insufficient to determine the role of this variant in disease. Therefore, it has been classified as a Variant of Uncertain Significance.

Blueprint Genetics
Classification: Uncertain significance. Last evaluated: 2018-03-09. Review status: criteria provided, single submitter. Criteria: ACMG Guidelines, 2015. Collection method: clinical testing. Allele origin: germline.

PreventionGenetics, part of Exact Sciences
Classification: Uncertain significance for CEP290-related condition. Last evaluated: 2024-03-22. Review status: no assertion criteria provided. Collection method: clinical testing. Allele origin: germline. Not counted in ClinVar's aggregate classification.
Comment: The CEP290 c.6670C>T variant is predicted to result in the amino acid substitution p.Arg2224Trp. To our knowledge, this variant has not been reported in the literature. This variant is reported in 0.020% of alleles in individuals of South Asian descent in gnomAD. At this time, the clinical significance of this variant is uncertain due to the absence of conclusive functional and genetic evidence.

NM_025114.4(CEP290):c.6670C>T (p.Arg2224Trp)

Gene: CEP290 (centrosomal protein 290; minus strand). Cytogenetic location: 12q21.32.
Variant type: single nucleotide variant.
Coding change: c.6670C>T on transcript NM_025114.4 (MANE Select); coding-DNA position 6670, C replaced by T.
Protein change: p.Arg2224Trp; replaces arginine 2224 with tryptophan.
Molecular consequence: missense variant.
Genome position (GRCh38, 1-based): chr12:88,058,996, G>A on the plus strand (C>T on the coding strand, the complement: CEP290 is on the minus strand). VCF-style: chr12-88058996-G-A. GRCh37 (hg19) VCF-style: chr12-88452773-G-A.
Other names: c.6670C>T (NM_025114.3); short protein forms R2224W.
Identifiers: ClinVar variation 1911320 (VCV001911320.4), dbSNP rs771123241, ClinGen allele CA6711447.